The following is an entry in ClinVar:

ClinVar aggregate classification (germline): Uncertain significance (1 of 4 stars; one submission).

Submission:

GeneDx
Classification: Uncertain significance. Last evaluated: 2025-01-19. Review status: criteria provided, single submitter. Criteria: GeneDx Variant Classification Process June 2021. Collection method: clinical testing. Allele origin: germline.
Comment: Not observed at significant frequency in large population cohorts (gnomAD); In silico analysis supports that this missense variant has a deleterious effect on protein structure/function; Has not been previously published as pathogenic or benign to our knowledge

NM_002764.4(PRPS1):c.659A>G (p.Asp220Gly)

Gene: PRPS1 (phosphoribosyl pyrophosphate synthetase 1; plus strand). Cytogenetic location: Xq22.3.
Variant type: single nucleotide variant.
Coding change: c.659A>G on transcript NM_002764.4 (MANE Select); coding-DNA position 659, A replaced by G.
Protein change: p.Asp220Gly; replaces aspartic acid 220 with glycine.
Molecular consequence: missense variant.
Genome position (GRCh38, 1-based): chrX:107,645,305, A>G. VCF-style: chrX-107645305-A-G. GRCh37 (hg19) VCF-style: chrX-106888535-A-G.
Other names: c.47A>G, p.Asp16Gly (NM_001204402.2); short protein forms D16G, D220G.
Identifiers: ClinVar variation 3362122 (VCV003362122.2).